The following is an entry in ClinVar:

NM_020919.4(ALS2):c.2186C>A (p.Thr729Lys)

Gene: ALS2 (alsin Rho guanine nucleotide exchange factor ALS2; minus strand). Cytogenetic location: 2q33.1.
Variant type: single nucleotide variant.
Coding change: c.2186C>A on transcript NM_020919.4 (MANE Select); coding-DNA position 2186, C replaced by A.
Protein change: p.Thr729Lys; replaces threonine 729 with lysine.
Molecular consequence: missense variant.
Genome position (GRCh38, 1-based): chr2:201,741,839, G>T on the plus strand (C>A on the coding strand, the complement: ALS2 is on the minus strand). VCF-style: chr2-201741839-G-T. GRCh37 (hg19) VCF-style: chr2-202606562-G-T.
Other names: c.2186C>A, p.Thr729Lys (NM_001410975.1); short protein forms T729K.
Identifiers: ClinVar variation 2044015 (VCV002044015.3), dbSNP rs1404094769, ClinGen allele CA350324838.

ClinVar aggregate classification (germline): Uncertain significance (1 of 4 stars; one submission).

Conditions:
Infantile-onset ascending hereditary spastic paralysis (IAHSP). Also called: Autosomal Recessive Juvenile Amyotrophic Lateral Sclerosis; Infantile-Onset Ascending Hereditary Spastic Paralysis (IAHSP). Identifiers: Orphanet 293168, MedGen C2931441, MONDO:0011797, OMIM 607225. Disease mechanism: loss of function.

Allele frequency attached by ClinVar (database versions not stated): gnomAD exomes 0.00001.
gnomAD v4.1: 15 of 1,613,680 alleles (0.00093%); highest among the groups gnomAD compares: Non-Finnish European, 0.0013%; no homozygotes.

Submission:

Labcorp Genetics (formerly Invitae), Labcorp
Classification: Uncertain significance for Infantile-onset ascending hereditary spastic paralysis. Last evaluated: 2022-10-28. Review status: criteria provided, single submitter. Criteria: Invitae Variant Classification Sherloc (09022015). Collection method: clinical testing. Allele origin: germline.
Comment: In summary, the available evidence is currently insufficient to determine the role of this variant in disease. Therefore, it has been classified as a Variant of Uncertain Significance. Advanced modeling of protein sequence and biophysical properties (such as structural, functional, and spatial information, amino acid conservation, physicochemical variation, residue mobility, and thermodynamic stability) performed at Invitae indicates that this missense variant is not expected to disrupt ALS2 protein function. This variant has not been reported in the literature in individuals affected with ALS2-related conditions. This variant is present in population databases (no rsID available, gnomAD 0.0009%). This sequence change replaces threonine, which is neutral and polar, with lysine, which is basic and polar, at codon 729 of the ALS2 protein (p.Thr729Lys).